The following is an entry in ClinVar:

NM_001846.4(COL4A2):c.2244C>T (p.Leu748=)

Gene: COL4A2 (collagen type IV alpha 2 chain; plus strand). Cytogenetic location: 13q34.
Variant type: single nucleotide variant.
Coding change: c.2244C>T on transcript NM_001846.4 (MANE Select); coding-DNA position 2244, C replaced by T.
Protein change: p.Leu748=; no amino-acid change (leucine 748 retained).
Molecular consequence: synonymous variant.
Genome position (GRCh38, 1-based): chr13:110,472,969, C>T. VCF-style: chr13-110472969-C-T. GRCh37 (hg19) VCF-style: chr13-111125316-C-T.
Other names: p.Leu748=.
Identifiers: ClinVar variation 747241 (VCV000747241.16), dbSNP rs375548321, ClinGen allele CA7049884.
Genomic context (GRCh38, chr13:110,472,969, plus strand): 5'-CCACCCATGTTTCCTTTTAGGGTTCATAGGACCCCGAGGATCCAAAGGTGCAGTGGGCCT[C>T]CCTGGCCCAGATGGATCCCCAGGTCCCATCGGCCTGCCAGGGCCAGATGGGCCCCCTGGG-3'
Protein context (NP_001837.2, residues 738-758): GPRGSKGAVG[Leu748=]PGPDGSPGPI

ClinVar aggregate classification (germline): Benign/Likely benign. Review status: criteria provided, multiple submitters, no conflicts (2 of 4 stars). 5 submissions from 5 submitters: Benign (2); Likely benign (2). 1 of the submissions does not count toward it. Last evaluated 2026-01-05.

Conditions:
COL4A2-related disorder. Also called: COL4A2-related disorders; COL4A2-related condition.
Brain small vessel disease 2A, autosomal dominant. Also called: Porencephaly 2. Identifiers: Orphanet 2940, Orphanet 99810, MedGen C3280970, MONDO:0013773, OMIM 614483.

Allele frequency attached by ClinVar (database versions not stated): gnomAD exomes 0.00011 and 0.00028; 1000 Genomes Project 0.00060; ESP Exome Variant Server 0.00077; 1000 Genomes Project 30x 0.00094; ExAC 0.00108; gnomAD 0.00116 and 0.00125; TOPMed 0.00130.
gnomAD v4.1: 331 of 1,553,780 alleles (0.021%); highest among the groups gnomAD compares: African/African-American, 0.41%; 1 homozygote.

Submissions (5):

Labcorp Genetics (formerly Invitae), Labcorp
Classification: Benign. Last evaluated: 2026-01-05. Review status: criteria provided, single submitter. Criteria: Invitae Variant Classification Sherloc (09022015). Collection method: clinical testing. Allele origin: germline.

Mayo Clinic Laboratories, Mayo Clinic
Classification: Likely benign. Last evaluated: 2025-03-10. Review status: criteria provided, single submitter. Criteria: ACMG Guidelines, 2015. Collection method: clinical testing. Allele origin: germline. Observed: 1 variant allele.
Comment: BS1, BP4, BP7

Blueprint Genetics
Classification: Likely benign. Last evaluated: 2024-09-02. Review status: criteria provided, single submitter. Criteria: ACMG Guidelines, 2015. Collection method: clinical testing. Allele origin: germline.

Illumina Laboratory Services, Illumina
Classification: Benign for Brain small vessel disease 2A, autosomal dominant. Last evaluated: 2018-01-12. Review status: criteria provided, single submitter. Criteria: ICSL Variant Classification Criteria 13 December 2019. Collection method: clinical testing. Allele origin: germline.
Comment: This variant was observed in the ICSL laboratory as part of a predisposition screen in an ostensibly healthy population. It had not been previously curated by ICSL or reported in the Human Gene Mutation Database (HGMD: prior to June 1st, 2018), and was therefore a candidate for classification through an automated scoring system. Utilizing variant allele frequency, disease prevalence and penetrance estimates, and inheritance mode, an automated score was calculated to assess if this variant is too frequent to cause the disease. Based on the score and internal cut-off values, a variant classified as benign is not then subjected to further curation. The score for this variant resulted in a classification of benign for this disease.

PreventionGenetics, part of Exact Sciences
Classification: Likely benign for COL4A2-related condition. Last evaluated: 2019-04-12. Review status: no assertion criteria provided. Collection method: clinical testing. Allele origin: germline. Not counted in ClinVar's aggregate classification.
Comment: This variant is classified as likely benign based on ACMG/AMP sequence variant interpretation guidelines (Richards et al. 2015 PMID: 25741868, with internal and published modifications).